The following is an entry in ClinVar:

ClinVar aggregate classification (germline): Uncertain significance. Review status: criteria provided, multiple submitters, no conflicts (2 of 4 stars). 3 submissions from 3 submitters: Uncertain significance (3). Last evaluated 2024-07-30.

Conditions:
Deficiency of cytochrome-b5 reductase. Also called: METHEMOGLOBINEMIA, CONGENITAL, AUTOSOMAL RECESSIVE; NADH-DEPENDENT METHEMOGLOBIN REDUCTASE DEFICIENCY. Identifiers: Orphanet 621, MedGen C0268193, MONDO:0009606, OMIM 250800.

Allele frequency attached by ClinVar (database versions not stated): ESP Exome Variant Server 0.00015.

Submissions (3):

ARUP Laboratories, Molecular Genetics and Genomics, ARUP Laboratories
Classification: Uncertain significance. Last evaluated: 2024-07-30. Review status: criteria provided, single submitter. Criteria: ARUP Molecular Germline Variant Investigation Process 2024. Collection method: clinical testing. Allele origin: germline.
Comment: The CYB5R3 c.367G>A; p.Ala123Thr variant (rs367914897), to our knowledge, is not reported in the medical literature but is reported in ClinVar (Variation ID: 2050662). This variant is found in the general population with an overall allele frequency of 0.004% (10/282870 alleles) in the Genome Aggregation Database (v2.1.1). Computational analyses are uncertain whether this variant is neutral or deleterious (REVEL: 0.259). Due to limited information, the clinical significance of this variant is uncertain at this time.

Revvity Omics, Revvity
Classification: Uncertain significance for Deficiency of cytochrome-b5 reductase. Last evaluated: 2023-07-13. Review status: criteria provided, single submitter. Criteria: ACMG Guidelines, 2015. Collection method: clinical testing. Allele origin: germline.

Labcorp Genetics (formerly Invitae), Labcorp
Classification: Uncertain significance. Last evaluated: 2022-08-06. Review status: criteria provided, single submitter. Criteria: Invitae Variant Classification Sherloc (09022015). Collection method: clinical testing. Allele origin: germline.
Comment: This sequence change replaces alanine, which is neutral and non-polar, with threonine, which is neutral and polar, at codon 123 of the CYB5R3 protein (p.Ala123Thr). This variant is present in population databases (rs367914897, gnomAD 0.01%). This variant has not been reported in the literature in individuals affected with CYB5R3-related conditions. Algorithms developed to predict the effect of missense changes on protein structure and function (SIFT, PolyPhen-2, Align-GVGD) all suggest that this variant is likely to be tolerated. In summary, the available evidence is currently insufficient to determine the role of this variant in disease. Therefore, it has been classified as a Variant of Uncertain Significance.

NM_000398.7(CYB5R3):c.367G>A (p.Ala123Thr)

Gene: CYB5R3 (cytochrome b5 reductase 3; minus strand). Cytogenetic location: 22q13.2.
Variant type: single nucleotide variant.
Coding change: c.367G>A on transcript NM_000398.7 (MANE Select); coding-DNA position 367, G replaced by A.
Protein change: p.Ala123Thr; replaces alanine 123 with threonine.
Molecular consequence: missense variant.
Genome position (GRCh38, 1-based): chr22:42,628,248, C>T on the plus strand (G>A on the coding strand, the complement: CYB5R3 is on the minus strand). VCF-style: chr22-42628248-C-T. GRCh37 (hg19) VCF-style: chr22-43024254-C-T.
Other names: c.367G>A, p.Ala123Thr (NM_001031678.1); c.298G>A, p.Ala100Thr (NM_001129819.2, NM_001171661.1, NM_007326.4); c.466G>A, p.Ala156Thr (NM_001171660.2); short protein forms A156T, A100T, A123T.
Identifiers: ClinVar variation 2050662 (VCV002050662.8), dbSNP rs367914897, ClinGen allele CA10269783.